The following is an entry in ClinVar:

ClinVar aggregate classification (germline): Uncertain significance. Review status: criteria provided, multiple submitters, no conflicts (2 of 4 stars). 2 submissions from 2 submitters: Uncertain significance (2). Last evaluated 2024-10-01.

Conditions:
Mosaic variegated aneuploidy syndrome 1 (MVA1). Also called: Warburton-Anyane-Yeboa syndrome. Identifiers: Orphanet 1052, MedGen C1850343, MONDO:0009759, OMIM 257300.
Inborn genetic diseases. Identifiers: MedGen C0950123, MeSH D030342.

Allele frequency attached by ClinVar (database versions not stated): TOPMed below 0.00001.

Submissions (2):

Ambry Genetics
Classification: Uncertain significance for Inborn genetic diseases. Last evaluated: 2024-10-01. Review status: criteria provided, single submitter. Criteria: Ambry Variant Classification Scheme 2023. Collection method: clinical testing. Allele origin: germline.

Labcorp Genetics (formerly Invitae), Labcorp
Classification: Uncertain significance for Mosaic variegated aneuploidy syndrome 1. Last evaluated: 2024-08-26. Review status: criteria provided, single submitter. Criteria: Invitae Variant Classification Sherloc (09022015). Collection method: clinical testing. Allele origin: germline.
Comment: This sequence change replaces isoleucine, which is neutral and non-polar, with valine, which is neutral and non-polar, at codon 601 of the BUB1B protein (p.Ile601Val). This variant is not present in population databases (gnomAD no frequency). This variant has not been reported in the literature in individuals affected with BUB1B-related conditions. ClinVar contains an entry for this variant (Variation ID: 1003792). An algorithm developed to predict the effect of missense changes on protein structure and function (PolyPhen-2) suggests that this variant is likely to be tolerated. In summary, the available evidence is currently insufficient to determine the role of this variant in disease. Therefore, it has been classified as a Variant of Uncertain Significance.

NM_001211.6(BUB1B):c.1801A>G (p.Ile601Val)

Gene: BUB1B (BUB1 mitotic checkpoint serine/threonine kinase B; plus strand). Cytogenetic location: 15q15.1.
Variant type: single nucleotide variant.
Coding change: c.1801A>G on transcript NM_001211.6 (MANE Select); coding-DNA position 1801, A replaced by G.
Protein change: p.Ile601Val; replaces isoleucine 601 with valine.
Molecular consequence: missense variant.
Genome position (GRCh38, 1-based): chr15:40,206,250, A>G. VCF-style: chr15-40206250-A-G. GRCh37 (hg19) VCF-style: chr15-40498451-A-G.
Other names: c.1801A>G (NM_001211.5); short protein forms I601V.
Identifiers: ClinVar variation 1003792 (VCV001003792.12), dbSNP rs1425763171, ClinGen allele CA391692417.